The following is an entry in ClinVar:

NM_001243133.2(NLRP3):c.2012G>C (p.Cys671Ser)

Gene: NLRP3 (NLR family pyrin domain containing 3; plus strand). Cytogenetic location: 1q44.
Variant type: single nucleotide variant.
Coding change: c.2012G>C on transcript NM_001243133.2 (MANE Select); coding-DNA position 2012, G replaced by C.
Protein change: p.Cys671Ser; replaces cysteine 671 with serine.
Molecular consequence: missense variant.
Genome position (GRCh38, 1-based): chr1:247,425,461, G>C. VCF-style: chr1-247425461-G-C. GRCh37 (hg19) VCF-style: chr1-247588763-G-C.
Other names: c.2012G>C, p.Cys671Ser (NM_001079821.3, NM_001127461.3, NM_001127462.3 and 1 more transcripts); c.2018G>C, p.Cys673Ser (NM_004895.5); short protein forms C671S, C673S.
Identifiers: ClinVar variation 661151 (VCV000661151.13), dbSNP rs199885115, ClinGen allele CA40692427.

ClinVar aggregate classification (germline): Uncertain significance. Review status: criteria provided, multiple submitters, no conflicts (2 of 4 stars). 3 submissions from 3 submitters: Uncertain significance (3). Last evaluated 2021-09-13.

Conditions:
Familial amyloid nephropathy with urticaria AND deafness (MWS). Also called: Urticaria, deafness and amyloidosis; MUCKLE-WELLS SYNDROME; CRYOPYRIN-ASSOCIATED PERIODIC SYNDROME 2; UDA SYNDROME; URTICARIA-DEAFNESS-AMYLOIDOSIS SYNDROME. Identifiers: Orphanet 575, MedGen C0268390, MONDO:0008633, OMIM 191900.
Chronic infantile neurological, cutaneous and articular syndrome (CINCA). Also called: CHRONIC NEUROLOGIC CUTANEOUS AND ARTICULAR SYNDROME; Prieur Griscelli syndrome; CRYOPYRIN-ASSOCIATED PERIODIC SYNDROME 3; CINCA syndrome. Identifiers: Orphanet 1451, MedGen C0409818, MONDO:0011776, OMIM 607115.
Keratitis fugax hereditaria. Also called: KERATOENDOTHELIITIS FUGAX HEREDITARIA. Identifiers: Orphanet 647815, MedGen C1835697, MONDO:0007849, OMIM 148200.
Familial cold autoinflammatory syndrome 1 (FCAS1). Also called: CRYOPYRIN-ASSOCIATED PERIODIC SYNDROME 1; Familial cold inflammatory syndrome 1. Identifiers: Orphanet 47045, MedGen C4551895, MONDO:0007349, OMIM 120100.
Hearing loss, autosomal dominant 34, with or without inflammation. Also called: DEAFNESS, AUTOSOMAL DOMINANT 34, WITH OR WITHOUT INFLAMMATION. Identifiers: MedGen C4521680, MONDO:0033261, OMIM 617772.
Autoinflammatory syndrome. Identifiers: Orphanet 93665, MedGen C3890737, MONDO:0019751.
Cryopyrin associated periodic syndrome (CAPS). Identifiers: Orphanet 208650, MedGen C2316212, MONDO:0016168.

Allele frequency attached by ClinVar (database versions not stated): gnomAD exomes below 0.00001; TOPMed below 0.00001.
gnomAD v4.1: 45 of 1,614,198 alleles (0.0028%); highest among the groups gnomAD compares: Non-Finnish European, 0.0034%; no homozygotes.

Submissions (3):

Fulgent Genetics
Classification: Uncertain significance for Familial cold autoinflammatory syndrome 1; Keratitis fugax hereditaria; Familial amyloid nephropathy with urticaria AND deafness; Chronic infantile neurological, cutaneous and articular syndrome; Hearing loss, autosomal dominant 34, with or without inflammation. Last evaluated: 2021-09-13. Review status: criteria provided, single submitter. Criteria: ACMG Guidelines, 2015. Collection method: clinical testing. Allele origin: unknown.

Labcorp Genetics (formerly Invitae), Labcorp
Classification: Uncertain significance for Cryopyrin associated periodic syndrome. Last evaluated: 2020-12-27. Review status: criteria provided, single submitter. Criteria: Invitae Variant Classification Sherloc (09022015). Collection method: clinical testing. Allele origin: germline.
Comment: In summary, the available evidence is currently insufficient to determine the role of this variant in disease. Therefore, it has been classified as a Variant of Uncertain Significance. Algorithms developed to predict the effect of missense changes on protein structure and function output the following: SIFT: "Tolerated"; PolyPhen-2: "Benign"; Align-GVGD: "Class C0". The serine amino acid residue is found in multiple mammalian species, suggesting that this missense change does not adversely affect protein function. These predictions have not been confirmed by published functional studies and their clinical significance is uncertain. This variant has not been reported in the literature in individuals with NLRP3-related disease. This variant is not present in population databases (ExAC no frequency). This sequence change replaces cysteine with serine at codon 673 of the NLRP3 protein (p.Cys673Ser). The cysteine residue is highly conserved and there is a moderate physicochemical difference between cysteine and serine.

Genome Diagnostics Laboratory, The Hospital for Sick Children
Classification: Uncertain significance for Autoinflammatory syndrome. Last evaluated: 2016-12-12. Review status: criteria provided, single submitter. Criteria: ACMG Guidelines, 2015. Collection method: clinical testing. Allele origin: germline. Affected: yes.